The following is an entry in ClinVar:

NM_001035.3(RYR2):c.10042A>G (p.Met3348Val)

Gene: RYR2 (ryanodine receptor 2; plus strand). Cytogenetic location: 1q43.
Variant type: single nucleotide variant.
Coding change: c.10042A>G on transcript NM_001035.3 (MANE Select); coding-DNA position 10042, A replaced by G.
Protein change: p.Met3348Val; replaces methionine 3348 with valine.
Molecular consequence: missense variant.
Genome position (GRCh38, 1-based): chr1:237,708,998, A>G. VCF-style: chr1-237708998-A-G. GRCh37 (hg19) VCF-style: chr1-237872298-A-G.
Other names: short protein forms M3348V.
Identifiers: ClinVar variation 1440609 (VCV001440609.9), dbSNP rs2149067182, ClinGen allele CA345410803.

ClinVar aggregate classification (germline): Uncertain significance. Review status: criteria provided, multiple submitters, no conflicts (2 of 4 stars). 2 submissions from 2 submitters: Uncertain significance (2). Last evaluated 2023-04-24.

Conditions:
Catecholaminergic polymorphic ventricular tachycardia 1. Also called: VENTRICULAR TACHYCARDIA, CATECHOLAMINERGIC POLYMORPHIC, 1, WITH OR WITHOUT ATRIAL DYSFUNCTION AND/OR DILATED CARDIOMYOPATHY; RYR2-Related Catecholaminergic Polymorphic Ventricular Tachycardia; VENTRICULAR TACHYCARDIA, STRESS-INDUCED POLYMORPHIC 1. Identifiers: Orphanet 3286, MedGen C1631597, MONDO:0011484, OMIM 604772.
Cardiomyopathy (CMYO). Also called: Cardiomyopathies. Identifiers: Orphanet 167848, MedGen C0878544, MONDO:0004994, HP:0001638. Inheritance: Various modes of inheritance.

gnomAD v4.1: 2 of 1,613,768 alleles (0.00012%); highest among the groups gnomAD compares: Non-Finnish European, 0.00017%; no homozygotes.

Submissions (2):

Color Diagnostics, LLC DBA Color Health
Classification: Uncertain significance for Cardiomyopathy. Last evaluated: 2023-04-24. Review status: criteria provided, single submitter. Criteria: ACMG Guidelines, 2015. Collection method: clinical testing. Allele origin: germline.
Comment: This missense variant replaces methionine with valine at codon 3348 of the RYR2 protein. Computational prediction suggests that this variant may not impact protein structure and function (internally defined REVEL score threshold <= 0.5, PMID: 27666373). To our knowledge, functional studies have not been reported for this variant. This variant has not been reported in individuals affected with RYR2-related disorders in the literature. This variant has not been identified in the general population by the Genome Aggregation Database (gnomAD). The available evidence is insufficient to determine the role of this variant in disease conclusively. Therefore, this variant is classified as a Variant of Uncertain Significance.

Labcorp Genetics (formerly Invitae), Labcorp
Classification: Uncertain significance for Catecholaminergic polymorphic ventricular tachycardia 1. Last evaluated: 2021-09-06. Review status: criteria provided, single submitter. Criteria: Invitae Variant Classification Sherloc (09022015). Collection method: clinical testing. Allele origin: germline.
Comment: This sequence change replaces methionine with valine at codon 3348 of the RYR2 protein (p.Met3348Val). The methionine residue is highly conserved and there is a small physicochemical difference between methionine and valine. This variant is not present in population databases (ExAC no frequency). This variant has not been reported in the literature in individuals affected with RYR2-related conditions. In summary, the available evidence is currently insufficient to determine the role of this variant in disease. Therefore, it has been classified as a Variant of Uncertain Significance. Advanced modeling of protein sequence and biophysical properties (such as structural, functional, and spatial information, amino acid conservation, physicochemical variation, residue mobility, and thermodynamic stability) performed at Invitae indicates that this missense variant is not expected to disrupt RYR2 protein function.